The following is an entry in ClinVar:

NC_000023.10:g.(?_107913448)_(107939618_?)del

Gene: COL4A5 (collagen type IV alpha 5 chain; plus strand). Cytogenetic location: Xq22.3.
Variant type: Deletion.
Identifiers: ClinVar variation 1074428 (VCV001074428.7).

ClinVar aggregate classification (germline): Pathogenic (1 of 4 stars; one submission).

Submission:

Labcorp Genetics (formerly Invitae), Labcorp
Classification: Pathogenic. Last evaluated: 2020-03-17. Review status: criteria provided, single submitter. Criteria: Invitae Variant Classification Sherloc (09022015). Collection method: clinical testing. Allele origin: germline.
Comment: Glycine residues within the Gly-Xaa-Yaa repeats of the triple helix domain are required for the structure and stability of fibrillar collagens (PMID: 7695699, 8218237, 19344236). In COL4A5, missense variants at these glycine residues are significantly enriched in individuals with disease (PMID: 23720012, 27627812) compared to the general population (ExAC). For these reasons, this variant has been classified as Pathogenic. This variant has not been reported in the literature in individuals with COL4A5-related conditions. This variant is a gross deletion of the genomic region encompassing exons 42-51 of the COL4A5 gene. The 5' boundary is likely confined to intron 41. The 3' end of this event is unknown as it extends through the termination codon beyond the assayed region for this gene and may encompass additional genes. While this deletion is not anticipated to result in nonsense mediated decay, it is expected to create a truncated protein product or disrupt mRNA translation.

Literature cited by the submitters: PubMed 7695699; PubMed 8218237; PubMed 19344236; PubMed 23720012; PubMed 27627812.